The following is an entry in ClinVar:

ClinVar aggregate classification (germline): Uncertain significance (1 of 4 stars; one submission).

Conditions:
Duchenne muscular dystrophy (DMD). Also called: MUSCULAR DYSTROPHY, PSEUDOHYPERTROPHIC PROGRESSIVE, DUCHENNE TYPE; Duchenne Muscular Dystrophy (DMD). Identifiers: Orphanet 98896, MedGen C0013264, MONDO:0010679, OMIM 310200.

Allele frequency attached by ClinVar (database versions not stated): gnomAD exomes below 0.00001 and 0.00001.
gnomAD v4.1: 1 of 1,188,708 alleles (0.000084%); highest among the groups gnomAD compares: Non-Finnish European, 0.00011%; no homozygotes.

Submission:

Labcorp Genetics (formerly Invitae), Labcorp
Classification: Uncertain significance for Duchenne muscular dystrophy. Last evaluated: 2021-11-15. Review status: criteria provided, single submitter. Criteria: Invitae Variant Classification Sherloc (09022015). Collection method: clinical testing. Allele origin: germline.
Comment: This sequence change replaces glutamine, which is neutral and polar, with glutamic acid, which is acidic and polar, at codon 28 of the DMD protein (p.Gln28Glu). The frequency data for this variant in the population databases is considered unreliable, as metrics indicate poor data quality at this position in the gnomAD database. This variant has not been reported in the literature in individuals affected with DMD-related conditions. Algorithms developed to predict the effect of missense changes on protein structure and function (SIFT, PolyPhen-2, Align-GVGD) all suggest that this variant is likely to be tolerated. In summary, the available evidence is currently insufficient to determine the role of this variant in disease. Therefore, it has been classified as a Variant of Uncertain Significance.

NM_004006.3(DMD):c.82C>G (p.Gln28Glu)

Gene: DMD (dystrophin; minus strand). Cytogenetic location: Xp21.1.
Variant type: single nucleotide variant.
Coding change: c.82C>G on transcript NM_004006.3 (MANE Select); coding-DNA position 82, C replaced by G.
Protein change: p.Gln28Glu; replaces glutamine 28 with glutamic acid.
Molecular consequence: missense variant. On other transcripts: 5 prime UTR variant (1).
Genome position (GRCh38, 1-based): chrX:33,020,150, G>C on the plus strand (C>G on the coding strand, the complement: DMD is on the minus strand). VCF-style: chrX-33020150-G-C. GRCh37 (hg19) VCF-style: chrX-33038267-G-C.
Other names: c.58C>G, p.Gln20Glu (NM_000109.4); c.70C>G, p.Gln24Glu (NM_004009.3); c.-288C>G (NM_004010.3); short protein forms Q20E, Q24E, Q28E.
Identifiers: ClinVar variation 1522102 (VCV001522102.6), dbSNP rs1477536019, ClinGen allele CA412675237.